The following is an entry in ClinVar:

NM_006642.5(SDCCAG8):c.452A>G (p.Gln151Arg)

Gene: SDCCAG8 (SHH signaling and ciliogenesis regulator SDCCAG8; plus strand). Cytogenetic location: 1q43.
Variant type: single nucleotide variant.
Coding change: c.452A>G on transcript NM_006642.5 (MANE Select); coding-DNA position 452, A replaced by G.
Protein change: p.Gln151Arg; replaces glutamine 151 with arginine.
Molecular consequence: missense variant. On other transcripts: 5 prime UTR variant (3).
Genome position (GRCh38, 1-based): chr1:243,286,303, A>G. VCF-style: chr1-243286303-A-G. GRCh37 (hg19) VCF-style: chr1-243449605-A-G.
Other names: c.-661A>G (NM_001350246.2); c.-549A>G (NM_001350247.2); c.452A>G, p.Gln151Arg (NM_001350248.2); c.158A>G, p.Gln53Arg (NM_001350249.2); c.-922A>G (NM_001350251.2); c.452A>G (NM_006642.3); short protein forms Q53R, Q151R.
Identifiers: ClinVar variation 1903242 (VCV001903242.7), dbSNP rs2547851164, ClinGen allele CA345477211.

ClinVar aggregate classification (germline): Uncertain significance. Review status: criteria provided, multiple submitters, no conflicts (2 of 4 stars). 3 submissions from 3 submitters: Uncertain significance (3). Last evaluated 2025-10-14.

Conditions:
Senior-Loken syndrome 7 (SLSN7). Identifiers: Orphanet 3156, MedGen C3150877, MONDO:0013326, OMIM 613615.
Bardet-Biedl syndrome 16 (BBS16). Identifiers: Orphanet 110, MedGen C3889474, MONDO:0014444, OMIM 615993.
Inborn genetic diseases. Identifiers: MedGen C0950123, MeSH D030342.

Allele frequency attached by ClinVar (database versions not stated): gnomAD exomes below 0.00001.
gnomAD v4.1: 6 of 1,614,068 alleles (0.00037%); highest among the groups gnomAD compares: Non-Finnish European, 0.00051%; no homozygotes.

Submissions (3):

Ambry Genetics
Classification: Uncertain significance for Inborn genetic diseases. Last evaluated: 2025-10-14. Review status: criteria provided, single submitter. Criteria: Ambry Variant Classification Scheme 2023. Collection method: clinical testing. Allele origin: germline.

Fulgent Genetics
Classification: Uncertain significance for Senior-Loken syndrome 7; Bardet-Biedl syndrome 16. Last evaluated: 2024-05-16. Review status: criteria provided, single submitter. Criteria: ACMG Guidelines, 2015. Collection method: clinical testing. Allele origin: germline.

Labcorp Genetics (formerly Invitae), Labcorp
Classification: Uncertain significance for Bardet-Biedl syndrome 16; Senior-Loken syndrome 7. Last evaluated: 2022-04-11. Review status: criteria provided, single submitter. Criteria: Invitae Variant Classification Sherloc (09022015). Collection method: clinical testing. Allele origin: germline.
Comment: In summary, the available evidence is currently insufficient to determine the role of this variant in disease. Therefore, it has been classified as a Variant of Uncertain Significance. Algorithms developed to predict the effect of missense changes on protein structure and function (SIFT, PolyPhen-2, Align-GVGD) all suggest that this variant is likely to be tolerated. This variant has not been reported in the literature in individuals affected with SDCCAG8-related conditions. This variant is not present in population databases (gnomAD no frequency). This sequence change replaces glutamine, which is neutral and polar, with arginine, which is basic and polar, at codon 151 of the SDCCAG8 protein (p.Gln151Arg).